The following is an entry in ClinVar:

NM_000218.3(KCNQ1):c.932CCA[1] (p.Thr312del)

Gene: KCNQ1 (potassium voltage-gated channel subfamily Q member 1; plus strand). Cytogenetic location: 11p15.5.
Variant type: Microsatellite.
Coding change: c.932CCA[1] on transcript NM_000218.3 (MANE Select); one copy of the 3-base unit CCA starting at c.932; the reference has two copies in a row; one copy, 3 bases deleted.
Protein change: p.Thr312del; deletes threonine 312.
Molecular consequence: inframe deletion. On other transcripts: inframe indel (5).
Genome position (GRCh38, 1-based): chr11:2,583,448-2,583,450, CCA deleted; deleting any 3 consecutive bases within chr11:2,583,443-2,583,450 gives the same sequence; the position shown is the placement nearest the transcript's 3' end. VCF-style (leftmost placement, unchanged base first): chr11-2583442-TCAC-T. GRCh37 (hg19) VCF-style: chr11-2604672-TCAC-T.
Other names: c.935_937delCCA (NM_000218.2); c.932_934CCA[1], p.Thr312del (NM_001406836.1); c.662_664CCA[1], p.Thr222del (NM_001406837.1); c.488_490CCA[1], p.Thr164del (NM_001406838.1); c.551_553CCA[1], p.Thr185del (NM_181798.2); short protein forms T185del, T312del, T222del, T164del.
Identifiers: ClinVar variation 581345 (VCV000581345.11), dbSNP rs1564824264, ClinGen allele CA891843060.

ClinVar aggregate classification (germline): Pathogenic (1 of 4 stars; one submission).

Conditions:
Long QT syndrome (LQTS). Identifiers: MedGen C0023976, MeSH D008133, MONDO:0002442. Disease mechanism: loss of function. Inheritance: Various modes of inheritance.

Submission:

Labcorp Genetics (formerly Invitae), Labcorp
Classification: Pathogenic for Long QT syndrome. Last evaluated: 2023-07-14. Review status: criteria provided, single submitter. Criteria: Invitae Variant Classification Sherloc (09022015). Collection method: clinical testing. Allele origin: germline.
Comment: This variant disrupts a region of the KCNQ1 protein in which other variant(s) (p.Thr312Ile) have been determined to be pathogenic (PMID: 8528244, 9323054, 10973849, 15051636, 21451124, 22456477, 22727609, 25294783). This suggests that this is a clinically significant region of the protein, and that variants that disrupt it are likely to be disease-causing. Experimental studies have shown that this variant affects KCNQ1 function (PMID: 30008122). Algorithms developed to predict the effect of variants on protein structure and function are not available or were not evaluated for this variant. ClinVar contains an entry for this variant (Variation ID: 581345). This variant has been observed in individual(s) with long QT syndrome (PMID: 30008122). It has also been observed to segregate with disease in related individuals. This variant is not present in population databases (gnomAD no frequency). This variant, c.935_937del, results in the deletion of 1 amino acid(s) of the KCNQ1 protein (p.Thr312del), but otherwise preserves the integrity of the reading frame. For these reasons, this variant has been classified as Pathogenic.

Literature cited by the submitters: PubMed 8528244; PubMed 9323054; PubMed 10973849; PubMed 15051636; PubMed 21451124; PubMed 22456477; PubMed 22727609; PubMed 25294783; PubMed 30008122.